The following is an entry in ClinVar:

NM_000501.4(ELN):c.643+1G>C

Gene: ELN (elastin; plus strand). Cytogenetic location: 7q11.23.
Variant type: single nucleotide variant.
Coding change: c.643+1G>C on transcript NM_000501.4 (MANE Select); the canonical splice donor site of the intron after coding-DNA position 643, G replaced by C.
Molecular consequence: splice donor variant.
Genome position (GRCh38, 1-based): chr7:74,046,768, G>C. VCF-style: chr7-74046768-G-C. GRCh37 (hg19) VCF-style: chr7-73461098-G-C.
Other names: c.658+1G>C (NM_001081754.3, NM_001081753.3); c.643+1G>C (NM_001278939.2, NM_001278915.2, NM_001278912.2 and 2 more transcripts); c.577+1G>C (NM_001278913.2); c.628+1G>C (NM_001278914.2); c.613+1G>C (NM_001278917.2, NM_001081752.3); c.511+1G>C (NM_001278918.2).
Identifiers: ClinVar variation 976202 (VCV000976202.3), dbSNP rs1131691482, ClinGen allele CA367870347.

ClinVar aggregate classification (germline): Likely pathogenic. Review status: criteria provided, multiple submitters, no conflicts (2 of 4 stars). 2 submissions from 2 submitters: Likely pathogenic (2). Last evaluated 2024-03-15.

Conditions:
Supravalvar aortic stenosis (SVAS). Also called: Supravalvar aortic stenosis, Eisenberg type. Identifiers: Orphanet 3193, MedGen C0003499, MONDO:0008504, OMIM 185500, HP:0004381.

Submissions (2):

Labcorp Genetics (formerly Invitae), Labcorp
Classification: Likely pathogenic for Supravalvar aortic stenosis. Last evaluated: 2024-03-15. Review status: criteria provided, single submitter. Criteria: Invitae Variant Classification Sherloc (09022015). Collection method: clinical testing. Allele origin: germline.
Comment: This sequence change affects a donor splice site in intron 12 of the ELN gene. It is expected to disrupt RNA splicing. Variants that disrupt the donor or acceptor splice site typically lead to a loss of protein function (PMID: 16199547), and loss-of-function variants in ELN are known to be pathogenic (PMID: 11175284). This variant is not present in population databases (gnomAD no frequency). This variant has not been reported in the literature in individuals affected with ELN-related conditions. ClinVar contains an entry for this variant (Variation ID: 976202). Algorithms developed to predict the effect of sequence changes on RNA splicing suggest that this variant may disrupt the consensus splice site. In summary, the currently available evidence indicates that the variant is pathogenic, but additional data are needed to prove that conclusively. Therefore, this variant has been classified as Likely Pathogenic.

Institute of Human Genetics, University of Leipzig Medical Center
Classification: Likely pathogenic for Supravalvar aortic stenosis. Last evaluated: 2017-12-05. Review status: criteria provided, single submitter. Criteria: ACMG Guidelines, 2015. Collection method: clinical testing. Allele origin: germline. Affected: yes. Observed: 1 variant allele.

Literature cited by the submitters: PubMed 16199547 (cited by Labcorp Genetics (formerly Invitae), Labcorp); PubMed 11175284 (cited by Labcorp Genetics (formerly Invitae), Labcorp).